The following is an entry in ClinVar:

NM_000093.5(COL5A1):c.655-2A>G

Gene: COL5A1 (collagen type V alpha 1 chain; plus strand). Cytogenetic location: 9q34.3.
Variant type: single nucleotide variant.
Coding change: c.655-2A>G on transcript NM_000093.5 (MANE Select); the canonical splice acceptor site of the intron before coding-DNA position 655, A replaced by G.
Molecular consequence: splice acceptor variant.
Genome position (GRCh38, 1-based): chr9:134,727,264, A>G. VCF-style: chr9-134727264-A-G. GRCh37 (hg19) VCF-style: chr9-137619110-A-G.
Other names: IVS4, A-G, -2; c.655-2A>G (NM_001278074.1).
Identifiers: ClinVar variation 17192 (VCV000017192.4), dbSNP rs786205101, ClinGen allele CA281076.

ClinVar aggregate classification (germline): Likely pathogenic. Review status: criteria provided, single submitter (1 of 4 stars). 2 submissions from 2 submitters: Likely pathogenic (1). 1 of the submissions does not count toward it. Last evaluated 2023-07-12.

Conditions:
Ehlers-Danlos syndrome, classic type, 1 (EDSCL1). Also called: Ehlers-Danlos Syndrome, Classic Type, COL5A1-Related; EDS I; Ehlers-Danlos syndrome, type 1; EHLERS-DANLOS SYNDROME, GRAVIS TYPE; EHLERS-DANLOS SYNDROME, SEVERE CLASSIC TYPE. Identifiers: MedGen C0268335, MONDO:0019567, OMIM 130000.

Submissions (2):

Labcorp Genetics (formerly Invitae), Labcorp
Classification: Likely pathogenic for Ehlers-Danlos syndrome, classic type, 1. Last evaluated: 2023-07-12. Review status: criteria provided, single submitter. Criteria: Invitae Variant Classification Sherloc (09022015). Collection method: clinical testing. Allele origin: germline.
Comment: This sequence change affects an acceptor splice site in intron 4 of the COL5A1 gene. It is expected to disrupt RNA splicing. Variants that disrupt the donor or acceptor splice site typically lead to a loss of protein function (PMID: 16199547), and loss-of-function variants in COL5A1 are known to be pathogenic (PMID: 23587214). This variant is not present in population databases (gnomAD no frequency). Disruption of this splice site has been observed in individuals with Ehlers-Danlos syndrome type I (PMID: 12145749, 34265140). This variant is also known as IVS4-2A>G. ClinVar contains an entry for this variant (Variation ID: 17192). Studies have shown that disruption of this splice site is associated with altered splicing resulting in multiple RNA products (PMID: 12145749). In summary, the currently available evidence indicates that the variant is pathogenic, but additional data are needed to prove that conclusively. Therefore, this variant has been classified as Likely Pathogenic.

OMIM
Classification: Pathogenic for EHLERS-DANLOS SYNDROME, CLASSIC TYPE, 1. Last evaluated: 2002-09-01. Review status: no assertion criteria provided. Collection method: literature only. Allele origin: germline. Not counted in ClinVar's aggregate classification.

Literature cited by the submitters: PubMed 16199547 (cited by Labcorp Genetics (formerly Invitae), Labcorp); PubMed 23587214 (cited by Labcorp Genetics (formerly Invitae), Labcorp); PubMed 12145749 (cited by Labcorp Genetics (formerly Invitae), Labcorp and OMIM); PubMed 34265140 (cited by Labcorp Genetics (formerly Invitae), Labcorp).